The following is an entry in ClinVar:

ClinVar aggregate classification (germline): Benign. Review status: criteria provided, multiple submitters, no conflicts (2 of 4 stars). 4 submissions from 3 submitters: Benign (4). Last evaluated 2021-07-01.

Conditions:
Muscular dystrophy-dystroglycanopathy (congenital with brain and eye anomalies), type A3. Also called: Congenital muscular dystrophy-dystroglycanopathy with brain and eye anomalies, type A3; WALKER-WARBURG SYNDROME OR MUSCLE-EYE-BRAIN DISEASE, POMGNT1-RELATED; Muscular dystrophy-dystroglycanopathy (congenital with brain and eye anomalies), type A, 3. Identifiers: MedGen C3151519, MONDO:0009667, OMIM 253280.
Retinitis pigmentosa 76 (RP76). Identifiers: MedGen C4310704, MONDO:0014929, OMIM 617123.

Allele frequency attached by ClinVar (database versions not stated): 1000 Genomes Project 0.33347; 1000 Genomes Project 30x 0.33463; TOPMed 0.34324; gnomAD 0.34868 and 0.34982; ESP Exome Variant Server 0.35355; gnomAD exomes 0.35491 and 0.35518; ExAC 0.35602.
gnomAD v4.1: 570,103 of 1,611,040 alleles (35%); highest among the groups gnomAD compares: South Asian, 45%; 102,772 homozygotes.

Submissions (4):

Genome-Nilou Lab
Classification: Benign for Muscular dystrophy-dystroglycanopathy (congenital with brain and eye anomalies), type A3. Last evaluated: 2021-07-01. Review status: criteria provided, single submitter. Criteria: ACMG Guidelines, 2015. Collection method: clinical testing. Allele origin: germline. Affected: no.

Genome-Nilou Lab
Classification: Benign for Retinitis pigmentosa 76. Last evaluated: 2021-07-01. Review status: criteria provided, single submitter. Criteria: ACMG Guidelines, 2015. Collection method: clinical testing. Allele origin: germline. Affected: no.

GeneDx
Classification: Benign. Last evaluated: 2018-06-14. Review status: criteria provided, single submitter. Criteria: GeneDx Variant Classification (06012015). Collection method: clinical testing. Allele origin: germline. Affected: yes.
Comment: This variant is considered likely benign or benign based on one or more of the following criteria: it is a conservative change, it occurs at a poorly conserved position in the protein, it is predicted to be benign by multiple in silico algorithms, and/or has population frequency not consistent with disease.

Breakthrough Genomics
Classification: Benign. Review status: criteria provided, single submitter. Criteria: ACMG Guidelines, 2015. Collection method: not provided. Allele origin: germline. Inheritance: Autosomal recessive inheritance. Affected: yes.

NM_017739.4(POMGNT1):c.951-52A>G

Genes: POMGNT1 (protein O-linked mannose N-acetylglucosaminyltransferase 1 (beta 1,2-); minus strand), TSPAN1 (tetraspanin 1; plus strand). Cytogenetic location: 1p34.1.
Variant type: single nucleotide variant.
Coding change: c.951-52A>G on transcript NM_017739.4 (MANE Select); 52 bases into the intron before coding-DNA position 951, A replaced by G.
Molecular consequence: intron variant.
Genome position (GRCh38, 1-based): chr1:46,193,691, T>C on the plus strand (A>G on the coding strand, the complement: POMGNT1 is on the minus strand). VCF-style: chr1-46193691-T-C. GRCh37 (hg19) VCF-style: chr1-46659363-T-C.
Other names: c.951-52A>G (NM_001243766.2, NM_001438686.1, NM_001438688.1 and 3 more transcripts); c.885-52A>G (NM_001290129.3, NM_001438691.1, NM_001438692.1); c.522-52A>G (NM_001290130.2).
Identifiers: ClinVar variation 671035 (VCV000671035.5), dbSNP rs7527935, ClinGen allele CA833556.